The following is an entry in ClinVar:

ClinVar aggregate classification (germline): Likely benign (0 of 4 stars; one submission).

Conditions:
GDF11-related disorder. Also called: GDF11-related condition.

Submission:

PreventionGenetics, part of Exact Sciences
Classification: Likely benign for GDF11-related condition. Last evaluated: 2023-05-17. Review status: no assertion criteria provided. Collection method: clinical testing. Allele origin: germline.
Comment: This variant is classified as likely benign based on ACMG/AMP sequence variant interpretation guidelines (Richards et al. 2015 PMID: 25741868, with internal and published modifications).

NM_005811.5(GDF11):c.87GGC[7] (p.Ala39_Ala41del)

Gene: GDF11 (growth differentiation factor 11; plus strand). Cytogenetic location: 12q13.2.
Variant type: Microsatellite.
Coding change: c.87GGC[7] on transcript NM_005811.5 (MANE Select); seven copies in a row of the 3-base unit GGC starting at c.87; the reference has ten copies in a row; three copies, 9 bases deleted.
Protein change: p.Ala39_Ala41del.
Genome position (GRCh38, 1-based): chr12:55,743,424-55,743,432, GGCGGCGGC deleted; deleting any 9 consecutive bases within chr12:55,743,401-55,743,432 gives the same sequence; the position shown is the placement nearest the transcript's 3' end. VCF-style (leftmost placement, unchanged base first): chr12-55743400-CGCGGCGGCG-C. GRCh37 (hg19) VCF-style: chr12-56137184-CGCGGCGGCG-C.
Identifiers: ClinVar variation 3034015 (VCV003034015.2), dbSNP rs759951553, ClinGen allele CA6617267.